The following is an entry in ClinVar:

NM_001111125.3(IQSEC2):c.4046del (p.Gly1349fs)

Gene: IQSEC2 (IQ motif and Sec7 domain ArfGEF 2; minus strand). Cytogenetic location: Xp11.22.
Variant type: Deletion.
Coding change: c.4046del on transcript NM_001111125.3 (MANE Select); coding-DNA position 4046, one base deleted (G; older notation c.4046delG).
Protein change: p.Gly1349fs; shifts the reading frame from glycine 1349.
Molecular consequence: frameshift variant. On other transcripts: 3 prime UTR variant (2).
Genome position (GRCh38, 1-based): chrX:53,234,640, C deleted on the plus strand (G on the coding strand, the reverse complement: IQSEC2 is on the minus strand); the first of 2 consecutive C bases (chrX:53,234,640-53,234,641); deleting either gives the same sequence. VCF-style (leftmost placement, unchanged base first): chrX-53234639-TC-T. GRCh37 (hg19) VCF-style: chrX-53263821-TC-T.
Other names: c.*531del (NM_001410736.1, NM_015075.2); short protein forms G1349fs.
Identifiers: ClinVar variation 3649447 (VCV003649447.2).

ClinVar aggregate classification (germline): Pathogenic (1 of 4 stars; one submission).

Conditions:
Intellectual developmental disorder, X-linked 1. Also called: Atkin Flaitz Patil Smith syndrome; MENTAL RETARDATION, X-LINKED 18; MENTAL RETARDATION, X-LINKED 78; Intellectual disability, X-linked 1. Identifiers: Orphanet 777, MedGen C2931498, MONDO:0010656, OMIM 309530.

Submission:

Labcorp Genetics (formerly Invitae), Labcorp
Classification: Pathogenic for Intellectual developmental disorder, X-linked 1. Last evaluated: 2025-01-15. Review status: criteria provided, single submitter. Criteria: Invitae Variant Classification Sherloc (09022015). Collection method: clinical testing. Allele origin: germline.
Comment: This sequence change creates a premature translational stop signal (p.Gly1349Aspfs*48) in the IQSEC2 gene. While this is not anticipated to result in nonsense mediated decay, it is expected to disrupt the last 140 amino acid(s) of the IQSEC2 protein. This variant is not present in population databases (gnomAD no frequency). This variant has not been reported in the literature in individuals affected with IQSEC2-related conditions. This variant disrupts a region of the IQSEC2 protein in which other variant(s) (p.Tyr1371Glnfs*15) have been determined to be pathogenic (PMID: 33368194). This suggests that this is a clinically significant region of the protein, and that variants that disrupt it are likely to be disease-causing. For these reasons, this variant has been classified as Pathogenic.

Literature cited by the submitters: PubMed 33368194.